The following is an entry in ClinVar:

NM_212482.4(FN1):c.2036G>C (p.Gly679Ala)

Gene: FN1 (fibronectin 1; minus strand). Cytogenetic location: 2q35.
Variant type: single nucleotide variant.
Coding change: c.2036G>C on transcript NM_212482.4 (MANE Select); coding-DNA position 2036, G replaced by C.
Protein change: p.Gly679Ala; replaces glycine 679 with alanine.
Molecular consequence: missense variant.
Genome position (GRCh38, 1-based): chr2:215,410,020, C>G on the plus strand (G>C on the coding strand, the complement: FN1 is on the minus strand). VCF-style: chr2-215410020-C-G. GRCh37 (hg19) VCF-style: chr2-216274743-C-G.
Other names: c.2036G>C, p.Gly679Ala (NM_001365519.2, NM_001365520.2, NM_001365521.2 and 13 more transcripts); short protein forms G679A.
Identifiers: ClinVar variation 4721396 (VCV004721396.1).

ClinVar aggregate classification (germline): Uncertain significance (1 of 4 stars; one submission).

Submission:

Labcorp Genetics (formerly Invitae), Labcorp
Classification: Uncertain significance. Last evaluated: 2025-10-01. Review status: criteria provided, single submitter. Criteria: Invitae Variant Classification Sherloc (09022015). Collection method: clinical testing. Allele origin: germline.
Comment: This sequence change replaces glycine, which is neutral and non-polar, with alanine, which is neutral and non-polar, at codon 679 of the FN1 protein (p.Gly679Ala). This variant is not present in population databases (gnomAD no frequency). This variant has not been reported in the literature in individuals affected with FN1-related conditions. An algorithm developed to predict the effect of missense changes on protein structure and function (PolyPhen-2) suggests that this variant is likely to be disruptive. In summary, the available evidence is currently insufficient to determine the role of this variant in disease. Therefore, it has been classified as a Variant of Uncertain Significance.